The following is an entry in ClinVar:

NM_003791.4(MBTPS1):c.2406G>A (p.Val802=)

Gene: MBTPS1 (membrane bound transcription factor peptidase, site 1; minus strand). Cytogenetic location: 16q23.3.
Variant type: single nucleotide variant.
Coding change: c.2406G>A on transcript NM_003791.4 (MANE Select); coding-DNA position 2406, G replaced by A.
Protein change: p.Val802=; no amino-acid change (valine 802 retained).
Molecular consequence: synonymous variant.
Genome position (GRCh38, 1-based): chr16:84,065,715, C>T on the plus strand (G>A on the coding strand, the complement: MBTPS1 is on the minus strand). VCF-style: chr16-84065715-C-T. GRCh37 (hg19) VCF-style: chr16-84099320-C-T.
Identifiers: ClinVar variation 3668423 (VCV003668423.12).

ClinVar aggregate classification (germline): Benign/Likely benign. Review status: criteria provided, multiple submitters, no conflicts (2 of 4 stars). 2 submissions from 2 submitters: Benign (1); Likely benign (1). Last evaluated 2026-01-12.

gnomAD v4.1: 137 of 1,612,560 alleles (0.0085%); highest among the groups gnomAD compares: Non-Finnish European, 0.0024%; no homozygotes.

Submissions (2):

Labcorp Genetics (formerly Invitae), Labcorp
Classification: Benign. Last evaluated: 2026-01-12. Review status: criteria provided, single submitter. Criteria: Invitae Variant Classification Sherloc (09022015). Collection method: clinical testing. Allele origin: germline.

CeGaT Center for Human Genetics Tuebingen
Classification: Likely benign. Last evaluated: 2025-05-01. Review status: criteria provided, single submitter. Criteria: CeGaT Center For Human Genetics Tuebingen Variant Classification Criteria Version 2. Collection method: clinical testing. Allele origin: germline. Affected: yes. Observed: 1 variant allele.
Comment: MBTPS1: BP4, BP7